The following is an entry in ClinVar:

NC_000005.9:g.(?_40958115)_(40959742_?)del

Gene: C7 (complement C7; plus strand). Cytogenetic location: 5p13.1.
Variant type: Deletion.
Identifiers: ClinVar variation 3246448 (VCV003246448.1).

ClinVar aggregate classification (germline): Pathogenic (1 of 4 stars; one submission).

Submission:

Labcorp Genetics (formerly Invitae), Labcorp
Classification: Pathogenic. Last evaluated: 2023-12-30. Review status: criteria provided, single submitter. Criteria: Invitae Variant Classification Sherloc (09022015). Collection method: clinical testing. Allele origin: unknown.
Comment: This variant is a gross deletion of the genomic region encompassing exon(s) 11-12 of the C7 gene. This deletion is out-of-frame, and is expected to create a premature termination codon and result in an absent or disrupted protein product. Loss-of-function variants in C7 are known to be pathogenic (PMID: 9856499, 17407100). This variant has not been reported in the literature in individuals affected with C7-related conditions. For these reasons, this variant has been classified as Pathogenic.

Literature cited by the submitters: PubMed 9856499; PubMed 17407100.